The following is an entry in ClinVar:

ClinVar aggregate classification (germline): Uncertain significance (1 of 4 stars; one submission).

Submission:

Labcorp Genetics (formerly Invitae), Labcorp
Classification: Uncertain significance. Last evaluated: 2023-10-23. Review status: criteria provided, single submitter. Criteria: Invitae Variant Classification Sherloc (09022015). Collection method: clinical testing. Allele origin: germline.
Comment: This sequence change replaces leucine, which is neutral and non-polar, with serine, which is neutral and polar, at codon 463 of the RASA2 protein (p.Leu463Ser). This variant is not present in population databases (gnomAD no frequency). This variant has not been reported in the literature in individuals affected with RASA2-related conditions. Advanced modeling of protein sequence and biophysical properties (such as structural, functional, and spatial information, amino acid conservation, physicochemical variation, residue mobility, and thermodynamic stability) performed at Invitae indicates that this missense variant is not expected to disrupt RASA2 protein function. In summary, the available evidence is currently insufficient to determine the role of this variant in disease. Therefore, it has been classified as a Variant of Uncertain Significance.

NM_006506.5(RASA2):c.1388T>C (p.Leu463Ser)

Gene: RASA2 (RAS p21 protein activator 2; plus strand). Cytogenetic location: 3q23.
Variant type: single nucleotide variant.
Coding change: c.1388T>C on transcript NM_006506.5 (MANE Select); coding-DNA position 1388, T replaced by C.
Protein change: p.Leu463Ser; replaces leucine 463 with serine.
Molecular consequence: missense variant.
Genome position (GRCh38, 1-based): chr3:141,573,972, T>C. VCF-style: chr3-141573972-T-C. GRCh37 (hg19) VCF-style: chr3-141292814-T-C.
Other names: c.1388T>C, p.Leu463Ser (NM_001303245.3, NM_001303246.3); short protein forms L463S.
Identifiers: ClinVar variation 2771155 (VCV002771155.3), dbSNP rs2478727004, ClinGen allele CA354778592.